The following is an entry in ClinVar:

NM_001003699.4(RREB1):c.1817T>C (p.Leu606Pro)

Gene: RREB1 (ras responsive element binding protein 1; plus strand). Cytogenetic location: 6p24.3.
Variant type: single nucleotide variant.
Coding change: c.1817T>C on transcript NM_001003699.4 (MANE Select); coding-DNA position 1817, T replaced by C.
Protein change: p.Leu606Pro; replaces leucine 606 with proline.
Molecular consequence: missense variant.
Genome position (GRCh38, 1-based): chr6:7,229,916, T>C. VCF-style: chr6-7229916-T-C. GRCh37 (hg19) VCF-style: chr6-7230149-T-C.
Other names: c.1817T>C, p.Leu606Pro (NM_001003698.4, NM_001003700.2, NM_001168344.2); short protein forms L606P.
Identifiers: ClinVar variation 4055813 (VCV004055813.1).

ClinVar aggregate classification (germline): Uncertain significance (1 of 4 stars; one submission).

Submission:

GeneDx
Classification: Uncertain significance. Last evaluated: 2023-11-17. Review status: criteria provided, single submitter. Criteria: GeneDx Variant Classification Process June 2021. Collection method: clinical testing. Allele origin: germline. Affected: yes.
Comment: Not observed at significant frequency in large population cohorts (gnomAD); In silico analysis supports that this missense variant has a deleterious effect on protein structure/function; Has not been previously published as pathogenic or benign to our knowledge; Variants in candidate genes are classified as variants of uncertain significance in accordance with ACMG guidelines (PMID: 25741868)